The following is an entry in ClinVar:

NM_000059.4(BRCA2):c.8261A>G (p.His2754Arg)

Gene: BRCA2 (BRCA2 DNA repair associated; plus strand). Cytogenetic location: 13q13.1.
Variant type: single nucleotide variant.
Coding change: c.8261A>G on transcript NM_000059.4 (MANE Select); coding-DNA position 8261, A replaced by G.
Protein change: p.His2754Arg; replaces histidine 2754 with arginine.
Molecular consequence: missense variant.
Genome position (GRCh38, 1-based): chr13:32,363,463, A>G. VCF-style: chr13-32363463-A-G. GRCh37 (hg19) VCF-style: chr13-32937600-A-G.
Other names: short protein forms H2754R.
Identifiers: ClinVar variation 462471 (VCV000462471.10), dbSNP rs1555287066, ClinGen allele CA387749995.

ClinVar aggregate classification (germline): Conflicting classifications of pathogenicity. Review status: criteria provided, conflicting classifications (1 of 4 stars). 3 submissions from 3 submitters: Uncertain significance (2); Likely benign (1). Last evaluated 2026-04-10.

Conditions:
Hereditary cancer-predisposing syndrome. Also called: Hereditary Cancer Syndrome; Tumor predisposition; Hereditary neoplastic syndrome; Neoplastic Syndromes, Hereditary. Identifiers: Orphanet 140162, MedGen C0027672, MeSH D009386, MONDO:0015356.
Familial cancer of breast. Also called: Hereditary breast cancer; BREAST CANCER, FAMILIAL; hereditary breast carcinoma. Identifiers: Orphanet 227535, MedGen C0346153, MONDO:0016419, OMIM 114480. Disease mechanism: loss of function.
Hereditary breast ovarian cancer syndrome. Also called: Hereditary breast and ovarian cancer syndrome; Hereditary breast and/or ovarian cancer syndrome; Hereditary breast and ovarian cancer syndrome (HBOC); Hereditary breast and ovarian cancer; Breast and ovarian cancer; BRCA1- and BRCA2-Associated Hereditary Breast and Ovarian Cancer. Identifiers: Orphanet 145, MedGen C0677776, MeSH D061325, MONDO:0003582. Disease mechanism: loss of function.

Allele frequency attached by ClinVar (database versions not stated): gnomAD exomes below 0.00001.
gnomAD v4.1: 1 of 1,614,166 alleles (0.000062%); highest among the groups gnomAD compares: East Asian, 0.0022%; no homozygotes.

Submissions (3):

Ambry Genetics
Classification: Likely benign for Hereditary cancer-predisposing syndrome. Last evaluated: 2026-04-10. Review status: criteria provided, single submitter. Criteria: Ambry Variant Classification Scheme 2023. Collection method: clinical testing. Allele origin: germline.

Baylor Genetics
Classification: Uncertain significance for Familial cancer of breast. Last evaluated: 2023-10-05. Review status: criteria provided, single submitter. Criteria: ACMG Guidelines, 2015. Collection method: clinical testing. Allele origin: unknown.

Labcorp Genetics (formerly Invitae), Labcorp
Classification: Uncertain significance for Hereditary breast ovarian cancer syndrome. Last evaluated: 2023-05-19. Review status: criteria provided, single submitter. Criteria: Invitae Variant Classification Sherloc (09022015). Collection method: clinical testing. Allele origin: germline.
Comment: This sequence change replaces histidine, which is basic and polar, with arginine, which is basic and polar, at codon 2754 of the BRCA2 protein (p.His2754Arg). This variant is not present in population databases (gnomAD no frequency). This variant has not been reported in the literature in individuals affected with BRCA2-related conditions. ClinVar contains an entry for this variant (Variation ID: 462471). Advanced modeling of protein sequence and biophysical properties (such as structural, functional, and spatial information, amino acid conservation, physicochemical variation, residue mobility, and thermodynamic stability) performed at Invitae indicates that this missense variant is not expected to disrupt BRCA2 protein function. In summary, the available evidence is currently insufficient to determine the role of this variant in disease. Therefore, it has been classified as a Variant of Uncertain Significance.